The following is an entry in ClinVar:

ClinVar aggregate classification (germline): Uncertain significance. Review status: criteria provided, multiple submitters, no conflicts (2 of 4 stars). 4 submissions from 4 submitters: Uncertain significance (4). Last evaluated 2024-12-16.

Conditions:
Autosomal recessive ataxia, Beauce type. Also called: Spinocerebellar ataxia, autosomal recessive 8; ATAXIA, RECESSIVE, OF BEAUCE; SYNE1 Deficiency; SYNE1-Related Autosomal Recessive Cerebellar Ataxia. Identifiers: Orphanet 88644, MedGen C1853116, MONDO:0012549, OMIM 610743.
Emery-Dreifuss muscular dystrophy 4, autosomal dominant (EDMD4). Also called: EMERY-DREIFUSS MUSCULAR DYSTROPHY 4 WITH VARIABLE FEATURES. Identifiers: Orphanet 261, MedGen C2751807, MONDO:0013071, OMIM 612998.

Allele frequency attached by ClinVar (database versions not stated): gnomAD 0.00001; TOPMed 0.00001; gnomAD exomes 0.00002; ExAC 0.00003.
gnomAD v4.1: 38 of 1,613,932 alleles (0.0024%); highest among the groups gnomAD compares: East Asian, 0.0045%; no homozygotes.

Submissions (4):

Labcorp Genetics (formerly Invitae), Labcorp
Classification: Uncertain significance for Emery-Dreifuss muscular dystrophy 4, autosomal dominant; Autosomal recessive ataxia, Beauce type. Last evaluated: 2024-12-16. Review status: criteria provided, single submitter. Criteria: Invitae Variant Classification Sherloc (09022015). Collection method: clinical testing. Allele origin: germline.
Comment: This sequence change replaces arginine, which is basic and polar, with cysteine, which is neutral and slightly polar, at codon 4408 of the SYNE1 protein (p.Arg4408Cys). This variant is present in population databases (rs778601377, gnomAD 0.006%). This variant has not been reported in the literature in individuals affected with SYNE1-related conditions. ClinVar contains an entry for this variant (Variation ID: 290514). An algorithm developed to predict the effect of missense changes on protein structure and function (PolyPhen-2) suggests that this variant is likely to be disruptive. In summary, the available evidence is currently insufficient to determine the role of this variant in disease. Therefore, it has been classified as a Variant of Uncertain Significance.

Revvity Omics, Revvity
Classification: Uncertain significance. Last evaluated: 2024-07-12. Review status: criteria provided, single submitter. Criteria: ACMG Guidelines, 2015. Collection method: clinical testing. Allele origin: germline.

GeneDx
Classification: Uncertain significance. Last evaluated: 2017-01-26. Review status: criteria provided, single submitter. Criteria: GeneDx Variant Classification (06012015). Collection method: clinical testing. Allele origin: germline. Affected: yes.
Comment: A variant of uncertain significance has been identified in the SYNE1 gene. The R4408C variant has not been published as a pathogenic variant, nor has it been reported as a benign variant to our knowledge. The R4408C variant is not observed at a significant frequency in large population cohorts (Lek et al., 2016; 1000 Genomes Consortium et al., 2015; Exome Variant Server). The R4408C variant is a non-conservative amino acid substitution, which is likely to impact secondary protein structure as these residues differ in polarity, charge, size and/or other properties. This substitution occurs at a position that is not conserved. In silico analysis is inconsistent in its predictions as to whether or not the variant is damaging to the protein structure/function. Therefore, based on the currently available information, it is unclear whether this variant is a pathogenic variant or a rare benign variant.

Eurofins Ntd Llc (ga)
Classification: Uncertain significance. Last evaluated: 2016-09-23. Review status: criteria provided, single submitter. Criteria: EGL Classification Definitions 2015. Collection method: clinical testing. Allele origin: germline. Observed: 1 variant allele, 1 heterozygote.

NM_182961.4(SYNE1):c.13435C>T (p.Arg4479Cys)

Gene: SYNE1 (spectrin repeat containing nuclear envelope protein 1; minus strand). Cytogenetic location: 6q25.2.
Variant type: single nucleotide variant.
Coding change: c.13435C>T on transcript NM_182961.4 (MANE Select); coding-DNA position 13435, C replaced by T.
Protein change: p.Arg4479Cys; replaces arginine 4479 with cysteine.
Molecular consequence: missense variant.
Genome position (GRCh38, 1-based): chr6:152,331,250, G>A on the plus strand (C>T on the coding strand, the complement: SYNE1 is on the minus strand). VCF-style: chr6-152331250-G-A. GRCh37 (hg19) VCF-style: chr6-152652385-G-A.
Other names: c.13222C>T, p.Arg4408Cys (NM_033071.5); short protein forms R4408C, R4479C.
Identifiers: ClinVar variation 290514 (VCV000290514.17), dbSNP rs778601377, ClinGen allele CA4056176.